The following is an entry in ClinVar:

ClinVar aggregate classification (germline): Likely benign. Review status: criteria provided, single submitter (1 of 4 stars). 2 submissions from 2 submitters: Likely benign (1). 1 of the submissions does not count toward it. Last evaluated 2025-02-15.

Conditions:
Autosomal recessive mendelian susceptibility to mycobacterial diseases due to complete RORgamma receptor deficiency. Also called: Immunodeficiency 42. Identifiers: Orphanet 477857, MedGen C5567647, MONDO:0014710, OMIM 616622.
RORC-related disorder. Also called: RORC-related condition.

Allele frequency attached by ClinVar (database versions not stated): ExAC 0.00002; gnomAD 0.00002; gnomAD exomes 0.00003 and 0.00010; TOPMed 0.00005.

Submissions (2):

Labcorp Genetics (formerly Invitae), Labcorp
Classification: Likely benign for Autosomal recessive mendelian susceptibility to mycobacterial diseases due to complete RORgamma receptor deficiency. Last evaluated: 2025-02-15. Review status: criteria provided, single submitter. Criteria: Invitae Variant Classification Sherloc (09022015). Collection method: clinical testing. Allele origin: germline.

PreventionGenetics, part of Exact Sciences
Classification: Likely benign for RORC-related condition. Last evaluated: 2019-03-13. Review status: no assertion criteria provided. Collection method: clinical testing. Allele origin: germline. Not counted in ClinVar's aggregate classification.
Comment: This variant is classified as likely benign based on ACMG/AMP sequence variant interpretation guidelines (Richards et al. 2015 PMID: 25741868, with internal and published modifications).

NM_005060.4(RORC):c.1512G>A (p.Glu504=)

Gene: RORC (RAR related orphan receptor C; minus strand). Cytogenetic location: 1q21.3.
Variant type: single nucleotide variant.
Coding change: c.1512G>A on transcript NM_005060.4 (MANE Select); coding-DNA position 1512, G replaced by A.
Protein change: p.Glu504=; no amino-acid change (glutamic acid 504 retained).
Molecular consequence: synonymous variant.
Genome position (GRCh38, 1-based): chr1:151,807,517, C>T on the plus strand (G>A on the coding strand, the complement: RORC is on the minus strand). VCF-style: chr1-151807517-C-T. GRCh37 (hg19) VCF-style: chr1-151779993-C-T.
Other names: c.1449G>A, p.Glu483= (NM_001001523.2); c.1512G>A (NM_005060.3).
Identifiers: ClinVar variation 1154072 (VCV001154072.11), dbSNP rs199556058, ClinGen allele CA1095641.